The following is an entry in ClinVar:

NM_005560.6(LAMA5):c.2207C>T (p.Ala736Val)

Gene: LAMA5 (laminin subunit alpha 5; minus strand). Cytogenetic location: 20q13.33.
Variant type: single nucleotide variant.
Coding change: c.2207C>T on transcript NM_005560.6 (MANE Select); coding-DNA position 2207, C replaced by T.
Protein change: p.Ala736Val; replaces alanine 736 with valine.
Molecular consequence: missense variant.
Genome position (GRCh38, 1-based): chr20:62,336,744, G>A on the plus strand (C>T on the coding strand, the complement: LAMA5 is on the minus strand). VCF-style: chr20-62336744-G-A. GRCh37 (hg19) VCF-style: chr20-60911800-G-A.
Other names: c.2207C>T (NM_005560.3); short protein forms A736V.
Identifiers: ClinVar variation 2045799 (VCV002045799.3), dbSNP rs201189211, ClinGen allele CA9943561.

ClinVar aggregate classification (germline): Uncertain significance. Review status: criteria provided, multiple submitters, no conflicts (2 of 4 stars). 2 submissions from 2 submitters: Uncertain significance (2). Last evaluated 2024-02-27.

Conditions:
Inborn genetic diseases. Identifiers: MedGen C0950123, MeSH D030342.

Allele frequency attached by ClinVar (database versions not stated): gnomAD 0.00005; gnomAD exomes 0.00006; TOPMed 0.00010; 1000 Genomes Project 30x 0.00016; ExAC 0.00017; 1000 Genomes Project 0.00020.
gnomAD v4.1: 90 of 1,613,082 alleles (0.0056%); highest among the groups gnomAD compares: East Asian, 0.16%; no homozygotes.

Submissions (2):

Ambry Genetics
Classification: Uncertain significance for Inborn genetic diseases. Last evaluated: 2024-02-27. Review status: criteria provided, single submitter. Criteria: Ambry Variant Classification Scheme 2023. Collection method: clinical testing. Allele origin: germline.

Labcorp Genetics (formerly Invitae), Labcorp
Classification: Uncertain significance. Last evaluated: 2023-05-22. Review status: criteria provided, single submitter. Criteria: Invitae Variant Classification Sherloc (09022015). Collection method: clinical testing. Allele origin: germline.
Comment: This sequence change replaces alanine, which is neutral and non-polar, with valine, which is neutral and non-polar, at codon 736 of the LAMA5 protein (p.Ala736Val). This variant is present in population databases (rs201189211, gnomAD 0.2%). This variant has not been reported in the literature in individuals affected with LAMA5-related conditions. ClinVar contains an entry for this variant (Variation ID: 2045799). Algorithms developed to predict the effect of missense changes on protein structure and function output the following: SIFT: "Not Available"; PolyPhen-2: "Benign"; Align-GVGD: "Not Available". The valine amino acid residue is found in multiple mammalian species, which suggests that this missense change does not adversely affect protein function. In summary, the available evidence is currently insufficient to determine the role of this variant in disease. Therefore, it has been classified as a Variant of Uncertain Significance.